The following is an entry in ClinVar:

NM_030787.4(CFHR5):c.282_283insCTTCAGGACTTC (p.Asn94_Gly95insLeuGlnAspPhe)

Gene: CFHR5 (complement factor H related 5; plus strand). Cytogenetic location: 1q31.3.
Variant type: Insertion.
Coding change: c.282_283insCTTCAGGACTTC on transcript NM_030787.4 (MANE Select); coding-DNA positions 282 to 283, CTTCAGGACTTC inserted.
Protein change: p.Asn94_Gly95insLeuGlnAspPhe.
Molecular consequence: inframe insertion.
Genome position: GRCh38 VCF-style: chr1-196983989-T-TCTTCAGGACTTC. GRCh37 (hg19) VCF-style: chr1-196953119-T-TCTTCAGGACTTC.
Identifiers: ClinVar variation 2031596 (VCV002031596.4), dbSNP rs2526909488, ClinGen allele CA2580061799.

ClinVar aggregate classification (germline): Uncertain significance (1 of 4 stars; one submission).

Submission:

Labcorp Genetics (formerly Invitae), Labcorp
Classification: Uncertain significance. Last evaluated: 2022-09-21. Review status: criteria provided, single submitter. Criteria: Invitae Variant Classification Sherloc (09022015). Collection method: clinical testing. Allele origin: germline.
Comment: In summary, the available evidence is currently insufficient to determine the role of this variant in disease. Therefore, it has been classified as a Variant of Uncertain Significance. Algorithms developed to predict the effect of sequence changes on RNA splicing suggest that this variant may create or strengthen a splice site. This variant has not been reported in the literature in individuals affected with CFHR5-related conditions. This variant is not present in population databases (gnomAD no frequency). This variant, c.282_283insCTTCAGGACTTC, results in the insertion of 4 amino acid(s) of the CFHR5 protein (p.Asn94_Gly95insLeuGlnAspPhe), but otherwise preserves the integrity of the reading frame.